The following is an entry in ClinVar:

ClinVar aggregate classification (germline): Uncertain significance. Review status: criteria provided, multiple submitters, no conflicts (2 of 4 stars). 3 submissions from 3 submitters: Uncertain significance (3). Last evaluated 2024-05-28.

Conditions:
Nephronophthisis. Also called: Juvenile Nephronophthisis. Identifiers: Orphanet 655, MedGen C0687120, MONDO:0019005, HP:0000090.
Nephronophthisis 3 (NPHP3). Also called: Adolescent nephronophthisis. Identifiers: Orphanet 655, MedGen C1858392, MONDO:0011456, OMIM 604387.
NPHP3-related Meckel-like syndrome. Also called: GOLDSTON SYNDROME; Meckel syndrome type 7. Identifiers: Orphanet 3032, MedGen C2673885, MONDO:0009966, OMIM 267010.
Renal-hepatic-pancreatic dysplasia 1 (RHPD1). Identifiers: MedGen C3715199, MONDO:0008833, OMIM 208540.
Inborn genetic diseases. Identifiers: MedGen C0950123, MeSH D030342.

Allele frequency attached by ClinVar (database versions not stated): gnomAD 0.00001; gnomAD exomes 0.00001 and 0.00002; TOPMed 0.00001.
gnomAD v4.1: 24 of 1,384,762 alleles (0.0017%); highest among the groups gnomAD compares: Non-Finnish European, 0.0024%; no homozygotes.

Submissions (3):

Fulgent Genetics
Classification: Uncertain significance for Renal-hepatic-pancreatic dysplasia 1; NPHP3-related Meckel-like syndrome; Nephronophthisis 3. Last evaluated: 2024-05-28. Review status: criteria provided, single submitter. Criteria: ACMG Guidelines, 2015. Collection method: clinical testing. Allele origin: germline.

Ambry Genetics
Classification: Uncertain significance for Inborn genetic diseases. Last evaluated: 2023-11-21. Review status: criteria provided, single submitter. Criteria: Ambry Variant Classification Scheme 2023. Collection method: clinical testing. Allele origin: germline.

Labcorp Genetics (formerly Invitae), Labcorp
Classification: Uncertain significance for Nephronophthisis. Last evaluated: 2021-12-13. Review status: criteria provided, single submitter. Criteria: Invitae Variant Classification Sherloc (09022015). Collection method: clinical testing. Allele origin: germline.
Comment: In summary, the available evidence is currently insufficient to determine the role of this variant in disease. Therefore, it has been classified as a Variant of Uncertain Significance. Algorithms developed to predict the effect of missense changes on protein structure and function (SIFT, PolyPhen-2, Align-GVGD) all suggest that this variant is likely to be tolerated. ClinVar contains an entry for this variant (Variation ID: 864822). This variant has not been reported in the literature in individuals affected with NPHP3-related conditions. This variant is present in population databases (no rsID available, gnomAD 0.002%). This sequence change replaces histidine, which is basic and polar, with arginine, which is basic and polar, at codon 1048 of the NPHP3 protein (p.His1048Arg).

NM_153240.5(NPHP3):c.3143A>G (p.His1048Arg)

Genes: NPHP3 (nephrocystin 3; minus strand), NPHP3-ACAD11 (NPHP3-ACAD11 readthrough (NMD candidate); minus strand). Cytogenetic location: 3q22.1.
Variant type: single nucleotide variant.
Coding change: c.3143A>G on transcript NM_153240.5 (MANE Select); coding-DNA position 3143, A replaced by G.
Protein change: p.His1048Arg; replaces histidine 1048 with arginine.
Molecular consequence: missense variant. On other transcripts: non-coding transcript variant (1).
Genome position (GRCh38, 1-based): chr3:132,687,209, T>C on the plus strand (A>G on the coding strand, the complement: NPHP3 is on the minus strand). VCF-style: chr3-132687209-T-C. GRCh37 (hg19) VCF-style: chr3-132406053-T-C.
Other names: short protein forms H1048R.
Identifiers: ClinVar variation 864822 (VCV000864822.9), dbSNP rs934058701, ClinGen allele CA83583715.